The following is an entry in ClinVar:

NM_006915.3(RP2):c.969+3A>G

Gene: RP2 (RP2 activator of ARL3 GTPase; plus strand). Cytogenetic location: Xp11.3.
Variant type: single nucleotide variant.
Coding change: c.969+3A>G on transcript NM_006915.3 (MANE Select); 3 bases into the intron after coding-DNA position 969, A replaced by G.
Molecular consequence: intron variant.
Genome position (GRCh38, 1-based): chrX:46,877,593, A>G. VCF-style: chrX-46877593-A-G. GRCh37 (hg19) VCF-style: chrX-46737028-A-G.
Identifiers: ClinVar variation 2138561 (VCV002138561.5), dbSNP rs2147089334, ClinGen allele CA2580100997.
Genomic context (GRCh38, chrX:46,877,593, plus strand): 5'-GGATGGTGCTGTAGAAGTATGTCAACTTATTGTAAACGAGATATTCAATGGGACCAAGGT[A>G]CAAGATTTTATTGACTGTATTTCAATCTAACTTTTCATTTCATCTCCTTTTCCTTACAGT-3'

ClinVar aggregate classification (germline): Pathogenic. Review status: criteria provided, multiple submitters, no conflicts (2 of 4 stars). 2 submissions from 2 submitters: Pathogenic (2). Last evaluated 2024-10-23.

Conditions:
RP2-related disorder. Also called: RP2-related condition.

Submissions (2):

Labcorp Genetics (formerly Invitae), Labcorp
Classification: Pathogenic. Last evaluated: 2024-10-23. Review status: criteria provided, single submitter. Criteria: Invitae Variant Classification Sherloc (09022015). Collection method: clinical testing. Allele origin: germline.
Comment: This sequence change falls in intron 4 of the RP2 gene. It does not directly change the encoded amino acid sequence of the RP2 protein. It affects a nucleotide within the consensus splice site. This variant is not present in population databases (gnomAD no frequency). This variant has been observed in individuals with X-linked retinitis pigmentosa (PMID: 14564670, 17724181, 29068140, 36460718). This variant is also known as IVS4+3A>G. ClinVar contains an entry for this variant (Variation ID: 2138561). Variants that disrupt the consensus splice site are a relatively common cause of aberrant splicing (PMID: 17576681, 9536098). Studies have shown that this variant is associated with inconclusive levels of altered splicing (PMID: 17724181). For these reasons, this variant has been classified as Pathogenic.

Blueprint Genetics
Classification: Pathogenic for RP2-related disorders. Last evaluated: 2024-03-27. Review status: criteria provided, single submitter. Criteria: ACMG Guidelines, 2015. Collection method: clinical testing. Allele origin: germline. Affected: yes. Observed: 5 variant alleles.

Literature cited by the submitters: PubMed 14564670 (cited by Labcorp Genetics (formerly Invitae), Labcorp); PubMed 17724181 (cited by Labcorp Genetics (formerly Invitae), Labcorp); PubMed 29068140 (cited by Labcorp Genetics (formerly Invitae), Labcorp); PubMed 36460718 (cited by Labcorp Genetics (formerly Invitae), Labcorp); PubMed 17576681 (cited by Labcorp Genetics (formerly Invitae), Labcorp); PubMed 9536098 (cited by Labcorp Genetics (formerly Invitae), Labcorp).